The following is an entry in ClinVar:

ClinVar aggregate classification (germline): Pathogenic/Likely pathogenic. Review status: criteria provided, multiple submitters, no conflicts (2 of 4 stars). 4 submissions from 4 submitters: Pathogenic (3); Likely pathogenic (1). Last evaluated 2025-12-18.

Conditions:
Mitochondrial DNA depletion syndrome, hepatocerebral form. Identifiers: Orphanet 254871, MedGen C3711385, MONDO:0100512.
Mitochondrial DNA depletion syndrome 6 (hepatocerebral type). Also called: NAVAJO NEUROPATHY; Navajo neurohepatopathy; Mitochondrial DNA depletion syndrome type 6. Identifiers: Orphanet 255229, MedGen C1850406, MONDO:0009747, OMIM 256810.
Charcot-Marie-Tooth disease, axonal, type 2EE. Also called: CHARCOT-MARIE-TOOTH NEUROPATHY, TYPE 2EE. Identifiers: MedGen C5193076, MONDO:0032728, OMIM 618400.

gnomAD v4.1: 4 of 1,614,078 alleles (0.00025%); highest among the groups gnomAD compares: Middle Eastern, 0.016%; no homozygotes.

Submissions (4):

Natera, Inc.
Classification: Likely pathogenic for Mitochondrial DNA depletion syndrome, hepatocerebral form. Last evaluated: 2025-12-18. Review status: criteria provided, single submitter. Criteria: Natera Variant Classification Schema (03/2026). Collection method: clinical testing. Allele origin: germline.
Comment: The c.376-2A>C variant in MPV17 is a canonical splice acceptor site variant predicted to affect pre-mRNA splicing, which may result in an abnormal transcript and altered protein product. This variant may result in a truncated or dysfunctional protein product. This variant is rare in the general population with a frequency below the threshold expected for the associated phenotype(s). This variant has been observed in one or more individuals affected with the associated recessive disease, as either homozygous or compound heterozygous with a second variant (PMID: 33242146, 29282788). Another variant at this same site results in an alteration predicted to cause a similar molecular effect has been observed in individual(s) with the associated phenotype. Given the available evidence, this variant is classified as Likely Pathogenic.

Baylor Genetics
Classification: Pathogenic for Charcot-Marie-Tooth disease, axonal, type 2EE. Last evaluated: 2024-02-25. Review status: criteria provided, single submitter. Criteria: ACMG Guidelines, 2015. Collection method: clinical testing. Allele origin: unknown.

Labcorp Genetics (formerly Invitae), Labcorp
Classification: Pathogenic. Last evaluated: 2023-06-18. Review status: criteria provided, single submitter. Criteria: Invitae Variant Classification Sherloc (09022015). Collection method: clinical testing. Allele origin: germline.
Comment: For these reasons, this variant has been classified as Pathogenic. This sequence change affects an acceptor splice site in intron 5 of the MPV17 gene. It is expected to disrupt RNA splicing. Variants that disrupt the donor or acceptor splice site typically lead to a loss of protein function (PMID: 16199547), and loss-of-function variants in MPV17 are known to be pathogenic (PMID: 23714749). This variant is not present in population databases (gnomAD no frequency). Disruption of this splice site has been observed in individuals with mitochondrial DNA depletion syndrome (PMID: 29282788). ClinVar contains an entry for this variant (Variation ID: 522375). Algorithms developed to predict the effect of sequence changes on RNA splicing suggest that this variant may disrupt the consensus splice site.

Wong Mito Lab, Molecular and Human Genetics, Baylor College of Medicine
Classification: Pathogenic for Mitochondrial DNA depletion syndrome 6. Last evaluated: 2017-12-01. Review status: criteria provided, single submitter. Criteria: ACMG Guidelines, 2015. Collection method: clinical testing. Allele origin: germline. Affected: yes.

Literature cited by the submitters: PubMed 33242146 (cited by Natera, Inc.); PubMed 29282788 (cited by Natera, Inc. and Labcorp Genetics (formerly Invitae), Labcorp); PubMed 16199547 (cited by Labcorp Genetics (formerly Invitae), Labcorp); PubMed 23714749 (cited by Labcorp Genetics (formerly Invitae), Labcorp).

NM_002437.5(MPV17):c.376-2A>C

Gene: MPV17 (mitochondrial inner membrane protein MPV17; minus strand). Cytogenetic location: 2p23.3.
Variant type: single nucleotide variant.
Coding change: c.376-2A>C on transcript NM_002437.5 (MANE Select); the canonical splice acceptor site of the intron before coding-DNA position 376, A replaced by C.
Molecular consequence: splice acceptor variant.
Genome position (GRCh38, 1-based): chr2:27,312,248, T>G on the plus strand (A>C on the coding strand, the complement: MPV17 is on the minus strand). VCF-style: chr2-27312248-T-G. GRCh37 (hg19) VCF-style: chr2-27535116-T-G.
Identifiers: ClinVar variation 522375 (VCV000522375.6), dbSNP rs113055360, ClinGen allele CA346207633.